The following is an entry in ClinVar:

ClinVar aggregate classification (germline): Uncertain significance (1 of 4 stars; one submission).

gnomAD v4.1: 1 of 1,614,206 alleles (0.000062%); highest among the groups gnomAD compares: Non-Finnish European, 0.000085%; no homozygotes.

Submission:

GeneDx
Classification: Uncertain significance. Last evaluated: 2023-11-10. Review status: criteria provided, single submitter. Criteria: GeneDx Variant Classification Process June 2021. Collection method: clinical testing. Allele origin: germline. Affected: yes.
Comment: Not observed at significant frequency in large population cohorts (gnomAD); In silico analysis supports that this missense variant does not alter protein structure/function; Has not been previously published as pathogenic or benign to our knowledge; This variant is associated with the following publications: (PMID: 25817015)

NM_001605.3(AARS1):c.763A>T (p.Met255Leu)

Gene: AARS1 (alanyl-tRNA synthetase 1; minus strand). Cytogenetic location: 16q22.1.
Variant type: single nucleotide variant.
Coding change: c.763A>T on transcript NM_001605.3 (MANE Select); coding-DNA position 763, A replaced by T.
Protein change: p.Met255Leu; replaces methionine 255 with leucine.
Molecular consequence: missense variant.
Genome position (GRCh38, 1-based): chr16:70,270,249, T>A on the plus strand (A>T on the coding strand, the complement: AARS1 is on the minus strand). VCF-style: chr16-70270249-T-A. GRCh37 (hg19) VCF-style: chr16-70304152-T-A.
Other names: short protein forms M255L.
Identifiers: ClinVar variation 3363530 (VCV003363530.1).